The following is an entry in ClinVar:

ClinVar aggregate classification (germline): Benign. Review status: criteria provided, multiple submitters, no conflicts (2 of 4 stars). 4 submissions from 4 submitters: Benign (3). 1 of the submissions does not count toward it. Last evaluated 2025-09-05.

Conditions:
Hypospadias 2, X-linked (HYSP2). Identifiers: Orphanet 440, MedGen C2677879, MONDO:0010423, OMIM 300758.
MAMLD1-related disorder. Also called: MAMLD1-related condition.

Allele frequency attached by ClinVar (database versions not stated): gnomAD 0.00056 and 0.00077; gnomAD exomes 0.00070 and 0.00164; TOPMed 0.00092; ExAC 0.00156; 1000 Genomes Project 30x 0.00437; 1000 Genomes Project 0.00477.
gnomAD v4.1: 896 of 1,209,700 alleles (0.074%); highest among the groups gnomAD compares: East Asian, 2.3%; 10 homozygotes.

Submissions (4):

Labcorp Genetics (formerly Invitae), Labcorp
Classification: Benign. Last evaluated: 2025-09-05. Review status: criteria provided, single submitter. Criteria: Invitae Variant Classification Sherloc (09022015). Collection method: clinical testing. Allele origin: germline.

Fulgent Genetics
Classification: Benign for Hypospadias 2, X-linked. Last evaluated: 2022-05-13. Review status: criteria provided, single submitter. Criteria: ACMG Guidelines, 2015. Collection method: clinical testing. Allele origin: unknown.

Genetic Services Laboratory, University of Chicago
Classification: Benign. Last evaluated: 2019-10-28. Review status: criteria provided, single submitter. Criteria: ACMG Guidelines, 2015. Collection method: clinical testing. Allele origin: germline. Affected: no.

PreventionGenetics, part of Exact Sciences
Classification: Likely benign for MAMLD1-related condition. Last evaluated: 2019-08-14. Review status: no assertion criteria provided. Collection method: clinical testing. Allele origin: germline. Not counted in ClinVar's aggregate classification.
Comment: This variant is classified as likely benign based on ACMG/AMP sequence variant interpretation guidelines (Richards et al. 2015 PMID: 25741868, with internal and published modifications).

NM_005491.5(MAMLD1):c.1699C>T (p.Pro567Ser)

Gene: MAMLD1 (mastermind like domain containing 1; plus strand). Cytogenetic location: Xq28.
Variant type: single nucleotide variant.
Coding change: c.1699C>T on transcript NM_005491.5 (MANE Select); coding-DNA position 1699, C replaced by T.
Protein change: p.Pro567Ser; replaces proline 567 with serine.
Molecular consequence: missense variant.
Genome position (GRCh38, 1-based): chrX:150,471,272, C>T. VCF-style: chrX-150471272-C-T. GRCh37 (hg19) VCF-style: chrX-149639544-C-T.
Other names: c.1699C>T (NM_005491.4); c.1624C>T, p.Pro542Ser (NM_001177465.3, NM_001177466.3, NM_001400514.1); c.1699C>T, p.Pro567Ser (NM_001400512.1, NM_001400513.1, NM_001400515.1); short protein forms P542S, P567S.
Identifiers: ClinVar variation 1169167 (VCV001169167.14), dbSNP rs146443503, ClinGen allele CA10538844.